The following is an entry in ClinVar:

NM_016824.5(ADD3):c.79C>T (p.Arg27Cys)

Gene: ADD3 (adducin 3; plus strand). Cytogenetic location: 10q25.2.
Variant type: single nucleotide variant.
Coding change: c.79C>T on transcript NM_016824.5 (MANE Select); coding-DNA position 79, C replaced by T.
Protein change: p.Arg27Cys; replaces arginine 27 with cysteine.
Molecular consequence: missense variant. On other transcripts: 5 prime UTR variant (1).
Genome position (GRCh38, 1-based): chr10:110,100,732, C>T. VCF-style: chr10-110100732-C-T. GRCh37 (hg19) VCF-style: chr10-111860490-C-T.
Other names: c.79C>T, p.Arg27Cys (NM_001121.4, NM_001320591.2, NM_001320592.2 and 2 more transcripts); c.-210C>T (NM_001320594.2); c.79C>T (NM_016824.3); short protein forms R27C.
Identifiers: ClinVar variation 1366623 (VCV001366623.7), dbSNP rs768885657, ClinGen allele CA5686256.
Genomic context (GRCh38, chr10:110,100,732, plus strand): 5'-CAAGGCGTGATTACCACTCCTCCTCCTCCCAGCATGCCTCACAAAGAGAGATATTTTGAC[C>T]GCATCAATGAAAATGACCCAGAATACATTAGGGAGAGGAACATGTCTCCTGATCTACGAC-3'
Protein context (NP_058432.1, residues 17-37): SMPHKERYFD[Arg27Cys]INENDPEYIR

ClinVar aggregate classification (germline): Uncertain significance. Review status: criteria provided, multiple submitters, no conflicts (2 of 4 stars). 2 submissions from 2 submitters: Uncertain significance (2). Last evaluated 2023-02-22.

Allele frequency attached by ClinVar (database versions not stated): gnomAD 0.00001; gnomAD exomes 0.00001 and 0.00002; TOPMed 0.00001; ExAC 0.00002.
gnomAD v4.1: 12 of 1,613,722 alleles (0.00074%); highest among the groups gnomAD compares: Middle Eastern, 0.049%; no homozygotes.

Submissions (2):

Ambry Genetics
Classification: Uncertain significance. Last evaluated: 2023-02-22. Review status: criteria provided, single submitter. Criteria: Ambry Variant Classification Scheme 2023. Collection method: clinical testing. Allele origin: germline.

Labcorp Genetics (formerly Invitae), Labcorp
Classification: Uncertain significance. Last evaluated: 2021-11-23. Review status: criteria provided, single submitter. Criteria: Invitae Variant Classification Sherloc (09022015). Collection method: clinical testing. Allele origin: germline.
Comment: This variant is present in population databases (rs768885657, gnomAD 0.003%). This sequence change replaces arginine, which is basic and polar, with cysteine, which is neutral and slightly polar, at codon 27 of the ADD3 protein (p.Arg27Cys). This variant has not been reported in the literature in individuals affected with ADD3-related conditions. In summary, the available evidence is currently insufficient to determine the role of this variant in disease. Therefore, it has been classified as a Variant of Uncertain Significance. Algorithms developed to predict the effect of missense changes on protein structure and function are either unavailable or do not agree on the potential impact of this missense change (SIFT: "Not Available"; PolyPhen-2: "Benign"; Align-GVGD: "Not Available").